The following is an entry in ClinVar:

NM_016239.4(MYO15A):c.10006G>A (p.Glu3336Lys)

Gene: MYO15A (myosin XVA; plus strand). Cytogenetic location: 17p11.2.
Variant type: single nucleotide variant.
Coding change: c.10006G>A on transcript NM_016239.4 (MANE Select); coding-DNA position 10006, G replaced by A.
Protein change: p.Glu3336Lys; replaces glutamic acid 3336 with lysine.
Molecular consequence: missense variant.
Genome position (GRCh38, 1-based): chr17:18,167,647, G>A. VCF-style: chr17-18167647-G-A. GRCh37 (hg19) VCF-style: chr17-18070961-G-A.
Other names: short protein forms E3336K.
Identifiers: ClinVar variation 2231675 (VCV002231675.11), dbSNP rs545312801, ClinGen allele CA8425772.

ClinVar aggregate classification (germline): Conflicting classifications of pathogenicity. Review status: criteria provided, conflicting classifications (1 of 4 stars). 5 submissions from 5 submitters: Uncertain significance (3); Benign (1). 1 of the submissions does not count toward it. Last evaluated 2025-12-25.

Conditions:
Inborn genetic diseases. Identifiers: MedGen C0950123, MeSH D030342.
MYO15A-related disorder. Also called: MYO15A-related condition.
Autosomal recessive nonsyndromic hearing loss 3. Also called: NEUROSENSORY NONSYNDROMIC RECESSIVE DEAFNESS 3. Identifiers: Orphanet 90636, MedGen C1838263, MONDO:0010860, OMIM 600316.

Allele frequency attached by ClinVar (database versions not stated): TOPMed 0.00005; gnomAD 0.00010; gnomAD exomes 0.00010; ExAC 0.00026; 1000 Genomes Project 0.00040; 1000 Genomes Project 30x 0.00047.
gnomAD v4.1: 159 of 1,604,214 alleles (0.0099%); highest among the groups gnomAD compares: South Asian, 0.15%; 1 homozygote.

Submissions (5):

Labcorp Genetics (formerly Invitae), Labcorp
Classification: Benign. Last evaluated: 2025-12-25. Review status: criteria provided, single submitter. Criteria: Invitae Variant Classification Sherloc (09022015). Collection method: clinical testing. Allele origin: germline.

Blueprint Genetics
Classification: Uncertain significance. Last evaluated: 2024-03-01. Review status: criteria provided, single submitter. Criteria: ACMG Guidelines, 2015. Collection method: clinical testing. Allele origin: germline.

Revvity Omics, Revvity
Classification: Uncertain significance for Autosomal recessive nonsyndromic hearing loss 3. Last evaluated: 2022-02-16. Review status: criteria provided, single submitter. Criteria: ACMG Guidelines, 2015. Collection method: clinical testing. Allele origin: germline.

Ambry Genetics
Classification: Uncertain significance for Inborn genetic diseases. Last evaluated: 2021-10-20. Review status: criteria provided, single submitter. Criteria: Ambry Variant Classification Scheme 2023. Collection method: clinical testing. Allele origin: germline.

PreventionGenetics, part of Exact Sciences
Classification: Likely benign for MYO15A-related condition. Last evaluated: 2021-02-16. Review status: no assertion criteria provided. Collection method: clinical testing. Allele origin: germline. Not counted in ClinVar's aggregate classification.
Comment: This variant is classified as likely benign based on ACMG/AMP sequence variant interpretation guidelines (Richards et al. 2015 PMID: 25741868, with internal and published modifications).